The following is an entry in ClinVar:

NM_014956.5(CEP164):c.4096+1G>C

Gene: CEP164 (centrosomal protein 164; plus strand). Cytogenetic location: 11q23.3.
Variant type: single nucleotide variant.
Coding change: c.4096+1G>C on transcript NM_014956.5 (MANE Select); the canonical splice donor site of the intron after coding-DNA position 4096, G replaced by C.
Molecular consequence: splice donor variant.
Genome position (GRCh38, 1-based): chr11:117,409,966, G>C. VCF-style: chr11-117409966-G-C. GRCh37 (hg19) VCF-style: chr11-117280682-G-C.
Other names: c.4081+1G>C (NM_001271933.2).
Identifiers: ClinVar variation 1956081 (VCV001956081.6), dbSNP rs780888941, ClinGen allele CA6295665.

ClinVar aggregate classification (germline): Likely pathogenic. Review status: criteria provided, multiple submitters, no conflicts (2 of 4 stars). 2 submissions from 2 submitters: Likely pathogenic (2). Last evaluated 2023-08-10.

Conditions:
Nephronophthisis 15 (NPHP15). Identifiers: Orphanet 3156, MedGen C3541853, MONDO:0013917, OMIM 614845.
CEP164-related disorder. Also called: CEP164-related condition.

Allele frequency attached by ClinVar (database versions not stated): TOPMed below 0.00001; ExAC 0.00001.
gnomAD v4.1: 4 of 1,613,832 alleles (0.00025%); highest among the groups gnomAD compares: East Asian, 0.0089%; no homozygotes.

Submissions (2):

Labcorp Genetics (formerly Invitae), Labcorp
Classification: Likely pathogenic for Nephronophthisis 15. Last evaluated: 2023-08-10. Review status: criteria provided, single submitter. Criteria: Invitae Variant Classification Sherloc (09022015). Collection method: clinical testing. Allele origin: germline.
Comment: This sequence change affects a donor splice site in intron 30 of the CEP164 gene. It is expected to disrupt RNA splicing. Variants that disrupt the donor or acceptor splice site typically lead to a loss of protein function (PMID: 16199547), and loss-of-function variants in CEP164 are known to be pathogenic (PMID: 22863007, 28125082, 32367404, 34132027, 34499853). This variant is present in population databases (rs780888941, gnomAD 0.01%). This variant has not been reported in the literature in individuals affected with CEP164-related conditions. ClinVar contains an entry for this variant (Variation ID: 1956081). Algorithms developed to predict the effect of sequence changes on RNA splicing suggest that this variant may disrupt the consensus splice site. In summary, the currently available evidence indicates that the variant is pathogenic, but additional data are needed to prove that conclusively. Therefore, this variant has been classified as Likely Pathogenic.

Blueprint Genetics
Classification: Likely pathogenic for CEP164-related disorders. Last evaluated: 2021-12-20. Review status: criteria provided, single submitter. Criteria: ACMG Guidelines, 2015. Collection method: clinical testing. Allele origin: germline. Affected: yes. Observed: 1 variant allele.

Literature cited by the submitters: PubMed 16199547 (cited by Labcorp Genetics (formerly Invitae), Labcorp); PubMed 22863007 (cited by Labcorp Genetics (formerly Invitae), Labcorp); PubMed 28125082 (cited by Labcorp Genetics (formerly Invitae), Labcorp); PubMed 32367404 (cited by Labcorp Genetics (formerly Invitae), Labcorp); PubMed 34132027 (cited by Labcorp Genetics (formerly Invitae), Labcorp); PubMed 34499853 (cited by Labcorp Genetics (formerly Invitae), Labcorp).